The following is an entry in ClinVar:

NM_000338.3(SLC12A1):c.1088-1G>C

Gene: SLC12A1 (solute carrier family 12 member 1; plus strand). Cytogenetic location: 15q21.1.
Variant type: single nucleotide variant.
Coding change: c.1088-1G>C on transcript NM_000338.3 (MANE Select); the canonical splice acceptor site of the intron before coding-DNA position 1088, G replaced by C.
Molecular consequence: splice acceptor variant.
Genome position (GRCh38, 1-based): chr15:48,234,876, G>C. VCF-style: chr15-48234876-G-C. GRCh37 (hg19) VCF-style: chr15-48527073-G-C.
Other names: c.1088-1G>C (NM_001384136.1, NM_001184832.2).
Identifiers: ClinVar variation 2795613 (VCV002795613.3), dbSNP rs1269491438, ClinGen allele CA392308455.

ClinVar aggregate classification (germline): Likely pathogenic (1 of 4 stars; one submission).

Allele frequency attached by ClinVar (database versions not stated): TOPMed below 0.00001; gnomAD 0.00001.
gnomAD v4.1: 1 of 1,613,504 alleles (0.000062%); highest among the groups gnomAD compares: African/African-American, 0.0013%; no homozygotes.

Submission:

Labcorp Genetics (formerly Invitae), Labcorp
Classification: Likely pathogenic. Last evaluated: 2023-09-25. Review status: criteria provided, single submitter. Criteria: Invitae Variant Classification Sherloc (09022015). Collection method: clinical testing. Allele origin: germline.
Comment: Algorithms developed to predict the effect of sequence changes on RNA splicing suggest that this variant may disrupt the consensus splice site. In summary, the currently available evidence indicates that the variant is pathogenic, but additional data are needed to prove that conclusively. Therefore, this variant has been classified as Likely Pathogenic. This variant has not been reported in the literature in individuals affected with SLC12A1-related conditions. This variant is not present in population databases (gnomAD no frequency). This sequence change affects an acceptor splice site in intron 8 of the SLC12A1 gene. It is expected to disrupt RNA splicing. Variants that disrupt the donor or acceptor splice site typically lead to a loss of protein function (PMID: 16199547), and loss-of-function variants in SLC12A1 are known to be pathogenic (PMID: 8640224, 9585600, 19096086).

Literature cited by the submitters: PubMed 16199547; PubMed 8640224; PubMed 9585600; PubMed 19096086.